The following is an entry in ClinVar:

NM_000051.4(ATM):c.157A>C (p.Lys53Gln)

Gene: ATM (ATM serine/threonine kinase; plus strand). Cytogenetic location: 11q22.3.
Variant type: single nucleotide variant.
Coding change: c.157A>C on transcript NM_000051.4 (MANE Select); coding-DNA position 157, A replaced by C.
Protein change: p.Lys53Gln; replaces lysine 53 with glutamine.
Molecular consequence: missense variant.
Genome position (GRCh38, 1-based): chr11:108,227,860, A>C. VCF-style: chr11-108227860-A-C. GRCh37 (hg19) VCF-style: chr11-108098587-A-C.
Other names: c.157A>C, p.Lys53Gln (NM_001351834.2, NM_001351835.2, NM_001351836.2); short protein forms K53Q.
Identifiers: ClinVar variation 231299 (VCV000231299.19), dbSNP rs876659078, ClinGen allele CA10578946.
Genomic context (GRCh38, chr11:108,227,860, plus strand): 5'-CTGATTCGAGATCCTGAAACAATTAAACATCTAGATCGGCATTCAGATTCCAAACAAGGA[A>C]AATATTTGAATTGGGATGCTGTTTTTAGGTATTCTATTCAAATTTATTTTACTGTCTTTA-3'
Protein context (NP_000042.3, residues 43-63): LDRHSDSKQG[Lys53Gln]YLNWDAVFRF

ClinVar aggregate classification (germline): Uncertain significance. Review status: criteria provided, multiple submitters, no conflicts (2 of 4 stars). 5 submissions from 5 submitters: Uncertain significance (5). Last evaluated 2025-04-13.

Conditions:
Hereditary cancer-predisposing syndrome. Also called: Hereditary Cancer Syndrome; Neoplastic Syndromes, Hereditary; Tumor predisposition; Hereditary neoplastic syndrome. Identifiers: Orphanet 140162, MedGen C0027672, MeSH D009386, MONDO:0015356.
Familial cancer of breast. Also called: Hereditary breast cancer; hereditary breast carcinoma; BREAST CANCER, FAMILIAL. Identifiers: Orphanet 227535, MedGen C0346153, MONDO:0016419, OMIM 114480. Disease mechanism: loss of function.
Ataxia-telangiectasia syndrome (AT). Also called: Ataxia telangiectasia (A-T); Ataxia-telangiectasia, complementation group E; LOUIS-BAR SYNDROME; Cerebello-oculocutaneous telangiectasia; Immunodeficiency with ataxia telangiectasia; Ataxia-telangiectasia, complementation group D. Identifiers: Orphanet 100, MedGen C0004135, MONDO:0008840, OMIM 208900.

Submissions (5):

Labcorp Genetics (formerly Invitae), Labcorp
Classification: Uncertain significance for Ataxia-telangiectasia syndrome. Last evaluated: 2025-04-13. Review status: criteria provided, single submitter. Criteria: Invitae Variant Classification Sherloc (09022015). Collection method: clinical testing. Allele origin: germline.
Comment: This sequence change replaces lysine, which is basic and polar, with glutamine, which is neutral and polar, at codon 53 of the ATM protein (p.Lys53Gln). This variant is not present in population databases (gnomAD no frequency). This variant has not been reported in the literature in individuals affected with ATM-related conditions. ClinVar contains an entry for this variant (Variation ID: 231299). Invitae Evidence Modeling of protein sequence and biophysical properties (such as structural, functional, and spatial information, amino acid conservation, physicochemical variation, residue mobility, and thermodynamic stability) indicates that this missense variant is not expected to disrupt ATM protein function with a negative predictive value of 95%. In summary, the available evidence is currently insufficient to determine the role of this variant in disease. Therefore, it has been classified as a Variant of Uncertain Significance.

Ambry Genetics
Classification: Uncertain significance for Hereditary cancer-predisposing syndrome. Last evaluated: 2024-11-19. Review status: criteria provided, single submitter. Criteria: Ambry Variant Classification Scheme 2023. Collection method: clinical testing. Allele origin: germline.
Comment: The p.K53Q variant (also known as c.157A>C), located in coding exon 2 of the ATM gene, results from an A to C substitution at nucleotide position 157. The lysine at codon 53 is replaced by glutamine, an amino acid with similar properties. This amino acid position is highly conserved in available vertebrate species. In addition, this alteration is predicted to be tolerated by in silico analysis. Since supporting evidence is limited at this time, the clinical significance of this alteration remains unclear.

Color Diagnostics, LLC DBA Color Health
Classification: Uncertain significance for Hereditary cancer-predisposing syndrome. Last evaluated: 2023-12-05. Review status: criteria provided, single submitter. Criteria: ACMG Guidelines, 2015. Collection method: clinical testing. Allele origin: germline.
Comment: This missense variant replaces lysine with glutamine at codon 53 of the ATM protein. Computational prediction suggests that this variant may not impact protein structure and function (internally defined REVEL score threshold <= 0.5, PMID: 27666373). To our knowledge, functional studies have not been reported for this variant. This variant has not been reported in individuals affected with ATM-related disorders in the literature. This variant has not been identified in the general population by the Genome Aggregation Database (gnomAD). The available evidence is insufficient to determine the role of this variant in disease conclusively. Therefore, this variant is classified as a Variant of Uncertain Significance.

Baylor Genetics
Classification: Uncertain significance for Familial cancer of breast. Last evaluated: 2023-09-20. Review status: criteria provided, single submitter. Criteria: ACMG Guidelines, 2015. Collection method: clinical testing. Allele origin: unknown.

Women's Health and Genetics/Laboratory Corporation of America, LabCorp
Classification: Uncertain significance. Last evaluated: 2019-07-10. Review status: criteria provided, single submitter. Criteria: LabCorp Variant Classification Summary - May 2015. Collection method: clinical testing. Allele origin: germline.
Comment: Variant summary: ATM c.157A>C (p.Lys53Gln) results in a conservative amino acid change located in the Telomere-length maintenance and DNA damage repair domain (IPR021668) of the encoded protein sequence. Three of five in-silico tools predict a damaging effect of the variant on protein function. The variant was absent in 250966 control chromosomes (gnomAD). The available data on variant occurrences in the general population are insufficient to allow any conclusion about variant significance. To our knowledge, no occurrence of c.157A>C in individuals affected with Breast Cancer and no experimental evidence demonstrating its impact on protein function have been reported. Three ClinVar submissions (evaluation after 2014) cite the variant as uncertain significance. Based on the evidence outlined above, the variant was classified as uncertain significance.